The following is an entry in ClinVar:

ClinVar aggregate classification (germline): Uncertain significance (1 of 4 stars; one submission).

Conditions:
Hereditary cancer-predisposing syndrome. Also called: Hereditary Cancer Syndrome; Hereditary neoplastic syndrome; Neoplastic Syndromes, Hereditary; Tumor predisposition. Identifiers: Orphanet 140162, MedGen C0027672, MeSH D009386, MONDO:0015356.

Submission:

Ambry Genetics
Classification: Uncertain significance for Hereditary cancer-predisposing syndrome. Last evaluated: 2021-09-14. Review status: criteria provided, single submitter. Criteria: Ambry Variant Classification Scheme 2023. Collection method: clinical testing. Allele origin: germline.
Comment: The p.S198R variant (also known as c.594T>A) is located in coding exon 8 of the BRCA1 gene. The serine at codon 198 is replaced by arginine, an amino acid with dissimilar properties. This change occurs in the first base pair of coding exon 8. This amino acid position is highly conserved in available vertebrate species. In addition, this alteration is predicted to be deleterious by in silico analysis. Since supporting evidence is limited at this time, the clinical significance of this alteration remains unclear.

NM_007294.4(BRCA1):c.594T>A (p.Ser198Arg)

Gene: BRCA1 (BRCA1 DNA repair associated; minus strand). Cytogenetic location: 17q21.31.
Variant type: single nucleotide variant.
Coding change: c.594T>A on transcript NM_007294.4 (MANE Select); coding-DNA position 594, T replaced by A.
Protein change: p.Ser198Arg; replaces serine 198 with arginine.
Molecular consequence: missense variant. On other transcripts: non-coding transcript variant (1).
Genome position (GRCh38, 1-based): chr17:43,095,922, A>T on the plus strand (T>A on the coding strand, the complement: BRCA1 is on the minus strand). VCF-style: chr17-43095922-A-T. GRCh37 (hg19) VCF-style: chr17-41247939-A-T.
Other names: c.594T>A, p.Ser198Arg (NM_001407639.1, NM_001407640.1, NM_001407652.1 and 59 more transcripts); c.585T>A, p.Ser195Arg (NM_001407646.1, NM_001407647.1, NM_001408408.1); c.591T>A, p.Ser197Arg (NM_001407645.1, NM_001407644.1, NM_001407587.1 and 41 more transcripts); c.516T>A, p.Ser172Arg (NM_001407653.1, NM_001407654.1, NM_001407655.1 and 9 more transcripts); c.381T>A, p.Ser127Arg (NM_001407571.1, NM_001407853.1, NM_001407894.1 and 12 more transcripts); c.513T>A, p.Ser171Arg (NM_001407659.1, NM_001407660.1, NM_001407661.1 and 3 more transcripts); c.453T>A, p.Ser151Arg (NM_001407692.1, NM_001407694.1, NM_001407695.1 and 43 more transcripts); c.450T>A, p.Ser150Arg (NM_001407740.1, NM_001407741.1, NM_001407742.1 and 26 more transcripts); and 4 more; short protein forms S127R, S150R, S171R, S197R, S70R, S71R, S128R, S172R.
Identifiers: ClinVar variation 1750681 (VCV001750681.2), dbSNP rs2154515351, ClinGen allele CA10600921.
Genomic context (GRCh38, chr17:43,095,922, plus strand): 5'-CAAACTGATTTCATCCCTGGTTCCTTGAGGGGTGATTTGTAACAATTCTTGATCTCCCAC[A>T]CTATAGGGAAAAGACAGAGTCCTAATAAGAAACACTAGTTACATGTATGCAGAACTGTCA-3'
Protein context (NP_009225.1, residues 188-208): EDTVNKATYC[Ser198Arg]VGDQELLQIT